The following is an entry in ClinVar:

NM_014588.6(VSX1):c.497G>A (p.Arg166Gln)

Gene: VSX1 (visual system homeobox 1; minus strand). Cytogenetic location: 20p11.21.
Variant type: single nucleotide variant.
Coding change: c.497G>A on transcript NM_014588.6 (MANE Select); coding-DNA position 497, G replaced by A.
Protein change: p.Arg166Gln; replaces arginine 166 with glutamine.
Molecular consequence: missense variant. On other transcripts: non-coding transcript variant (3).
Genome position (GRCh38, 1-based): chr20:25,079,442, C>T on the plus strand (G>A on the coding strand, the complement: VSX1 is on the minus strand). VCF-style: chr20-25079442-C-T. GRCh37 (hg19) VCF-style: chr20-25060078-C-T.
Other names: c.497G>A, p.Arg166Gln (NM_001256271.2, NM_001256272.2, NM_199425.3); short protein forms R166Q.
Identifiers: ClinVar variation 337961 (VCV000337961.5), dbSNP rs150297220, ClinGen allele CA9793616.
Genomic context (GRCh38, chr20:25,079,442, plus strand): 5'-CCTTGGGCTGTGTCCCGAGGAAAGGCAGGCAGAGGGGACTGCCTGGCCCTATACCTGTGC[C>T]GCCGCTTCTTCCTCTTGCCCAAGGTGGGGGATGCCTTTAGGTCATTCCTGTCTTCAGACT-3'
Protein context (NP_055403.2, residues 156-176): SPTLGKRKKR[Arg166Gln]HRTVFTAHQL

ClinVar aggregate classification (germline): Benign (1 of 4 stars; one submission).

Conditions:
Posterior polymorphous corneal dystrophy. Also called: CORNEAL DYSTROPHY, HEREDITARY POLYMORPHOUS POSTERIOR; Polymorphous corneal dystrophy. Identifiers: Orphanet 98973, MedGen C0339284, MONDO:0020364, HP:0007915.

Allele frequency attached by ClinVar (database versions not stated): gnomAD exomes 0.00013 and 0.00025; 1000 Genomes Project 30x 0.00016; ExAC 0.00016; TOPMed 0.00017; 1000 Genomes Project 0.00020; gnomAD 0.00022 and 0.00024; ESP Exome Variant Server 0.00031.
gnomAD v4.1: 405 of 1,611,668 alleles (0.025%); highest among the groups gnomAD compares: Non-Finnish European, 0.032%; no homozygotes.

Submission:

Illumina Laboratory Services, Illumina
Classification: Benign for Polymorphous corneal dystrophy. Last evaluated: 2018-01-13. Review status: criteria provided, single submitter. Criteria: ICSL Variant Classification Criteria 13 December 2019. Collection method: clinical testing. Allele origin: germline.
Comment: This variant was observed in the ICSL laboratory as part of a predisposition screen in an ostensibly healthy population. It had not been previously curated by ICSL or reported in the Human Gene Mutation Database (HGMD: prior to June 1st, 2018), and was therefore a candidate for classification through an automated scoring system. Utilizing variant allele frequency, disease prevalence and penetrance estimates, and inheritance mode, an automated score was calculated to assess if this variant is too frequent to cause the disease. Based on the score and internal cut-off values, a variant classified as benign is not then subjected to further curation. The score for this variant resulted in a classification of benign for this disease.